The following is an entry in ClinVar:

NM_004387.4(NKX2-5):c.867C>G (p.Asn289Lys)

Gene: NKX2-5 (NK2 homeobox 5; minus strand). Cytogenetic location: 5q35.1.
Variant type: single nucleotide variant.
Coding change: c.867C>G on transcript NM_004387.4 (MANE Select); coding-DNA position 867, C replaced by G.
Protein change: p.Asn289Lys; replaces asparagine 289 with lysine.
Molecular consequence: missense variant. On other transcripts: 3 prime UTR variant (2).
Genome position (GRCh38, 1-based): chr5:173,232,677, G>C on the plus strand (C>G on the coding strand, the complement: NKX2-5 is on the minus strand). VCF-style: chr5-173232677-G-C. GRCh37 (hg19) VCF-style: chr5-172659680-G-C.
Other names: c.*820C>G (NM_001166175.2); c.*666C>G (NM_001166176.2); short protein forms N289K.
Identifiers: ClinVar variation 1704848 (VCV001704848.2), dbSNP rs779136385, ClinGen allele CA362161012.

ClinVar aggregate classification (germline): Uncertain significance (1 of 4 stars; one submission).

Submission:

GeneDx
Classification: Uncertain significance. Last evaluated: 2022-03-08. Review status: criteria provided, single submitter. Criteria: GeneDx Variant Classification Process June 2021. Collection method: clinical testing. Allele origin: germline. Affected: yes.
Comment: Has not been previously published as pathogenic or benign to our knowledge; Not observed at significant frequency in large population cohorts (gnomAD); In silico analysis supports that this missense variant does not alter protein structure/function